The following is an entry in ClinVar:

ClinVar aggregate classification (germline): Uncertain significance (1 of 4 stars; one submission).

gnomAD v4.1: 1 of 1,614,128 alleles (0.000062%); highest among the groups gnomAD compares: Non-Finnish European, 0.000085%; no homozygotes.

Submission:

Ambry Genetics
Classification: Uncertain significance. Last evaluated: 2024-04-18. Review status: criteria provided, single submitter. Criteria: Ambry Variant Classification Scheme 2023. Collection method: clinical testing. Allele origin: germline.
Comment: The p.P1001H variant (also known as c.3002C>A), located in coding exon 1 of the MLH3 gene, results from a C to A substitution at nucleotide position 3002. The proline at codon 1001 is replaced by histidine, an amino acid with similar properties. This amino acid position is conserved. In addition, this alteration is predicted to be tolerated by in silico analysis. Since supporting evidence is limited at this time, the clinical significance of this alteration remains unclear.

NM_001040108.2(MLH3):c.3002C>A (p.Pro1001His)

Gene: MLH3 (mutL homolog 3; minus strand). Cytogenetic location: 14q24.3.
Variant type: single nucleotide variant.
Coding change: c.3002C>A on transcript NM_001040108.2 (MANE Select); coding-DNA position 3002, C replaced by A.
Protein change: p.Pro1001His; replaces proline 1001 with histidine.
Molecular consequence: missense variant.
Genome position (GRCh38, 1-based): chr14:75,046,654, G>T on the plus strand (C>A on the coding strand, the complement: MLH3 is on the minus strand). VCF-style: chr14-75046654-G-T. GRCh37 (hg19) VCF-style: chr14-75513357-G-T.
Other names: c.3002C>A, p.Pro1001His (NM_014381.3); short protein forms P1001H.
Identifiers: ClinVar variation 1798709 (VCV001798709.3), dbSNP rs2503256112, ClinGen allele CA390436959.